The following is an entry in ClinVar:

ClinVar aggregate classification (germline): Uncertain significance (1 of 4 stars; one submission).

Conditions:
Hereditary cancer-predisposing syndrome. Also called: Neoplastic Syndromes, Hereditary; Tumor predisposition; Hereditary Cancer Syndrome; Hereditary neoplastic syndrome. Identifiers: Orphanet 140162, MedGen C0027672, MeSH D009386, MONDO:0015356.

Submission:

Color Diagnostics, LLC DBA Color Health
Classification: Uncertain significance for Hereditary cancer-predisposing syndrome. Last evaluated: 2024-03-06. Review status: criteria provided, single submitter. Criteria: ACMG Guidelines, 2015. Collection method: clinical testing. Allele origin: germline.
Comment: This missense variant replaces asparagine with serine at codon 429 of the BRIP1 protein. Computational prediction tool suggests that this variant may not impact protein structure and function (internally defined REVEL score threshold <=0.5, PMID: 27666373). Splice site prediction tools suggest that this variant may not impact RNA splicing. To our knowledge, functional studies have not been performed for this variant. This variant has not been reported in individuals affected with hereditary cancer in the literature. This variant has not been identified in the general population by the Genome Aggregation Database (gnomAD). The available evidence is insufficient to determine the role of this variant in disease conclusively. Therefore, this variant is classified as a Variant of Uncertain Significance.

NM_032043.3(BRIP1):c.1286A>G (p.Asn429Ser)

Gene: BRIP1 (BRCA1 interacting DNA helicase 1; minus strand). Cytogenetic location: 17q23.2.
Variant type: single nucleotide variant.
Coding change: c.1286A>G on transcript NM_032043.3 (MANE Select); coding-DNA position 1286, A replaced by G.
Protein change: p.Asn429Ser; replaces asparagine 429 with serine.
Molecular consequence: missense variant.
Genome position (GRCh38, 1-based): chr17:61,799,154, T>C on the plus strand (A>G on the coding strand, the complement: BRIP1 is on the minus strand). VCF-style: chr17-61799154-T-C. GRCh37 (hg19) VCF-style: chr17-59876515-T-C.
Other names: short protein forms N429S.
Identifiers: ClinVar variation 924695 (VCV000924695.4), dbSNP rs587781463, ClinGen allele CA400483523.
Genomic context (GRCh38, chr17:61,799,154, plus strand): 5'-TCTTACTTAATGAGGCTACAGCACACAGCTCGTAGGGGTTCATGATCTTTCTTCCTTATA[T>C]TATTGTTGACCATACTATCTAGTTCATCCCGAGCAAACCGAAGCTGAACTTCTGTTACAC-3'
Protein context (NP_114432.2, residues 419-439): RDELDSMVNN[Asn429Ser]IRKKDHEPLR